The following is an entry in ClinVar:

NC_000012.12:g.40488304G>T

Gene: MUC19 (mucin 19, oligomeric (gene/pseudogene); plus strand). Cytogenetic location: 12q12.
Variant type: single nucleotide variant.
Genome position: GRCh38 VCF-style: chr12-40488304-G-T. GRCh37 (hg19) VCF-style: chr12-40882106-G-T.
Identifiers: ClinVar variation 4534032 (VCV004534032.6).

ClinVar aggregate classification (germline): Likely benign (1 of 4 stars; one submission).

Submission:

CeGaT Center for Human Genetics Tuebingen
Classification: Likely benign. Last evaluated: 2025-10-01. Review status: criteria provided, single submitter. Criteria: CeGaT Center For Human Genetics Tuebingen Variant Classification Criteria Version 2. Collection method: clinical testing. Allele origin: germline. Affected: yes. Observed: 1 variant allele.
Comment: MUC19: BP4, BP7